The following is an entry in ClinVar:

ClinVar aggregate classification (germline): Conflicting classifications of pathogenicity. Review status: criteria provided, conflicting classifications (1 of 4 stars). 6 submissions from 4 submitters: Uncertain significance (1); Likely benign (4). 1 of the submissions does not count toward it. Last evaluated 2026-01-29.

Conditions:
Nephronophthisis 8. Identifiers: MedGen CN119610.
Meckel syndrome, type 5 (MKS5). Identifiers: Orphanet 564, MedGen C1969052, MONDO:0012695, OMIM 611561.
Joubert syndrome 7 (JBTS7). Identifiers: Orphanet 220497, MedGen C1969053, MONDO:0012694, OMIM 611560.
Meckel-Gruber syndrome. Also called: GRUBER SYNDROME; DYSENCEPHALIA SPLANCHNOCYSTICA; Dysencephalia splachnocystica. Identifiers: Orphanet 564, MedGen C0265215, MONDO:0018921.
Joubert syndrome. Also called: JOUBERT-BOLTSHAUSER SYNDROME; Familial aplasia of the vermis. Identifiers: Orphanet 475, MedGen C5979921, MONDO:0018772.

Allele frequency attached by ClinVar (database versions not stated): gnomAD exomes 0.00011 and 0.00055; gnomAD 0.00021 and 0.00027; TOPMed 0.00022; ExAC 0.00049; 1000 Genomes Project 30x 0.00125; 1000 Genomes Project 0.00160.

Submissions (6):

Labcorp Genetics (formerly Invitae), Labcorp
Classification: Likely benign for Joubert syndrome; Meckel-Gruber syndrome. Last evaluated: 2026-01-29. Review status: criteria provided, single submitter. Criteria: Invitae Variant Classification Sherloc (09022015). Collection method: clinical testing. Allele origin: germline.

Blueprint Genetics
Classification: Likely benign. Last evaluated: 2024-09-17. Review status: criteria provided, single submitter. Criteria: ACMG Guidelines, 2015. Collection method: clinical testing. Allele origin: germline.

Illumina Laboratory Services, Illumina
Classification: Uncertain significance for Meckel syndrome, type 5. Last evaluated: 2018-01-12. Review status: criteria provided, single submitter. Criteria: ICSL Variant Classification Criteria 13 December 2019. Collection method: clinical testing. Allele origin: germline.

Illumina Laboratory Services, Illumina
Classification: Likely benign for Nephronophthisis 8. Last evaluated: 2018-01-12. Review status: criteria provided, single submitter. Criteria: ICSL Variant Classification Criteria 13 December 2019. Collection method: clinical testing. Allele origin: germline.
Comment: This variant was observed in the ICSL laboratory as part of a predisposition screen in an ostensibly healthy population. It had not been previously curated by ICSL or reported in the Human Gene Mutation Database (HGMD: prior to June 1st, 2018), and was therefore a candidate for classification through an automated scoring system. Utilizing variant allele frequency, disease prevalence and penetrance estimates, and inheritance mode, an automated score was calculated to assess if this variant is too frequent to cause the disease. Based on the score and internal cut-off values, a variant classified as likely benign is not then subjected to further curation. The score for this variant resulted in a classification of likely benign for this disease.

Illumina Laboratory Services, Illumina
Classification: Likely benign for Joubert syndrome 7. Last evaluated: 2018-01-12. Review status: criteria provided, single submitter. Criteria: ICSL Variant Classification Criteria 13 December 2019. Collection method: clinical testing. Allele origin: germline.
Comment: the same text as in the submission from Illumina Laboratory Services, Illumina above.

Natera, Inc.
Classification: Likely benign for Joubert syndrome. Last evaluated: 2020-05-08. Review status: no assertion criteria provided. Collection method: clinical testing. Allele origin: germline. Not counted in ClinVar's aggregate classification.

NM_015272.5(RPGRIP1L):c.1960G>A (p.Glu654Lys)

Gene: RPGRIP1L (RPGRIP1 like; minus strand). Cytogenetic location: 16q12.2.
Variant type: single nucleotide variant.
Coding change: c.1960G>A on transcript NM_015272.5 (MANE Select); coding-DNA position 1960, G replaced by A.
Protein change: p.Glu654Lys; replaces glutamic acid 654 with lysine.
Molecular consequence: missense variant.
Genome position (GRCh38, 1-based): chr16:53,652,727, C>T on the plus strand (G>A on the coding strand, the complement: RPGRIP1L is on the minus strand). VCF-style: chr16-53652727-C-T. GRCh37 (hg19) VCF-style: chr16-53686639-C-T.
Other names: c.1960G>A, p.Glu654Lys (NM_001127897.4, NM_001308334.3, NM_001330538.2); short protein forms E654K.
Identifiers: ClinVar variation 319661 (VCV000319661.18), dbSNP rs141979202, ClinGen allele CA8057665.
Genomic context (GRCh38, chr16:53,652,727, plus strand): 5'-GAATATATTGCAAAAATAAGTCATTAACATGAACAAGATATTGAGAAGTGAAGTTATATT[C>T]GGGATGAAGGCCTCGCACTACGGGAGTTGTCTGTAGTTCAAAATCATAGAAAGCATAGGT-3'
Protein context (NP_056087.2, residues 644-664): TTPVVRGLHP[Glu654Lys]YNFTSQYLVH